The following is an entry in ClinVar:

ClinVar aggregate classification (germline): Likely benign. Review status: criteria provided, multiple submitters, no conflicts (2 of 4 stars). 2 submissions from 2 submitters: Likely benign (2). Last evaluated 2026-05-01.

Allele frequency attached by ClinVar (database versions not stated): ExAC 0.00007; TOPMed 0.00007; gnomAD 0.00008; gnomAD exomes 0.00014 and 0.00005; ESP Exome Variant Server 0.00023.
gnomAD v4.1: 211 of 1,614,040 alleles (0.013%); highest among the groups gnomAD compares: Non-Finnish European, 0.018%; no homozygotes.

Submissions (2):

CeGaT Center for Human Genetics Tuebingen
Classification: Likely benign. Last evaluated: 2026-05-01. Review status: criteria provided, single submitter. Criteria: CeGaT Center For Human Genetics Tuebingen Variant Classification Criteria Version 2. Collection method: clinical testing. Allele origin: germline. Affected: yes. Observed: 1 variant allele.
Comment: KIF22: PM5, PP3, BS1

Labcorp Genetics (formerly Invitae), Labcorp
Classification: Likely benign. Last evaluated: 2025-03-30. Review status: criteria provided, single submitter. Criteria: Invitae Variant Classification Sherloc (09022015). Collection method: clinical testing. Allele origin: germline.

NM_007317.3(KIF22):c.445C>T (p.Arg149Trp)

Gene: KIF22 (kinesin family member 22; plus strand). Cytogenetic location: 16p11.2.
Variant type: single nucleotide variant.
Coding change: c.445C>T on transcript NM_007317.3 (MANE Select); coding-DNA position 445, C replaced by T.
Protein change: p.Arg149Trp; replaces arginine 149 with tryptophan.
Molecular consequence: missense variant.
Genome position (GRCh38, 1-based): chr16:29,798,643, C>T. VCF-style: chr16-29798643-C-T. GRCh37 (hg19) VCF-style: chr16-29809964-C-T.
Other names: c.241C>T, p.Arg81Trp (NM_001256269.2, NM_001256270.1); short protein forms R149W, R81W.
Identifiers: ClinVar variation 1417413 (VCV001417413.8), dbSNP rs149549504, ClinGen allele CA7992993.